The following is an entry in ClinVar:

ClinVar aggregate classification (germline): Uncertain significance (1 of 4 stars; one submission).

Conditions:
Hypertrophic cardiomyopathy 14. Identifiers: MedGen C2750467, MONDO:0013197, OMIM 613251.

Submission:

Labcorp Genetics (formerly Invitae), Labcorp
Classification: Uncertain significance for Hypertrophic cardiomyopathy 14. Last evaluated: 2025-01-29. Review status: criteria provided, single submitter. Criteria: Invitae Variant Classification Sherloc (09022015). Collection method: clinical testing. Allele origin: germline.
Comment: This sequence change replaces threonine, which is neutral and polar, with alanine, which is neutral and non-polar, at codon 1159 of the MYH6 protein (p.Thr1159Ala). The frequency data for this variant in the population databases is considered unreliable, as metrics indicate poor data quality at this position in the gnomAD database. This variant has not been reported in the literature in individuals affected with MYH6-related conditions. Invitae Evidence Modeling of protein sequence and biophysical properties (such as structural, functional, and spatial information, amino acid conservation, physicochemical variation, residue mobility, and thermodynamic stability) has been performed for this missense variant. However, the output from this modeling did not meet the statistical confidence thresholds required to predict the impact of this variant on MYH6 protein function. In summary, the available evidence is currently insufficient to determine the role of this variant in disease. Therefore, it has been classified as a Variant of Uncertain Significance.

NM_002471.4(MYH6):c.3475A>G (p.Thr1159Ala)

Gene: MYH6 (myosin heavy chain 6; minus strand). Cytogenetic location: 14q11.2.
Variant type: single nucleotide variant.
Coding change: c.3475A>G on transcript NM_002471.4 (MANE Select); coding-DNA position 3475, A replaced by G.
Protein change: p.Thr1159Ala; replaces threonine 1159 with alanine.
Molecular consequence: missense variant.
Genome position (GRCh38, 1-based): chr14:23,390,314, T>C on the plus strand (A>G on the coding strand, the complement: MYH6 is on the minus strand). VCF-style: chr14-23390314-T-C. GRCh37 (hg19) VCF-style: chr14-23859523-T-C.
Other names: short protein forms T1159A.
Identifiers: ClinVar variation 3713849 (VCV003713849.2).